The following is an entry in ClinVar:

ClinVar aggregate classification (germline): Uncertain significance. Review status: criteria provided, multiple submitters, no conflicts (2 of 4 stars). 3 submissions from 3 submitters: Uncertain significance (2). 1 of the submissions does not count toward it. Last evaluated 2024-11-11.

Conditions:
Metaphyseal chondrodysplasia, McKusick type (CHH). Also called: Cartilage-hair hypoplasia; Cartilage-Hair Hypoplasia (CHH). Identifiers: Orphanet 175, MedGen C0220748, MONDO:0009595, OMIM 250250.
Anauxetic dysplasia 1 (ANXD1). Also called: Anauxetic Dysplasia (AD). Identifiers: Orphanet 93347, MedGen C4551965, MONDO:0054560, OMIM 607095.
Metaphyseal dysplasia without hypotrichosis. Also called: Metaphyseal Dysplasia without Hypotrichosis (MDWH); CARTILAGE-HAIR HYPOPLASIA VARIANT, SKELETAL MANIFESTATIONS ONLY; CARTILAGE-HAIR HYPOPLASIA-LIKE SKELETAL DYSPLASIA WITHOUT HYPOTRICHOSIS OR IMMUNODEFICIENCY. Identifiers: MedGen C1834821, MONDO:0009601, OMIM 250460.
Anauxetic dysplasia. Identifiers: Orphanet 93347, MedGen C1846796, MONDO:0011773.

Allele frequency attached by ClinVar (database versions not stated): 1000 Genomes Project 30x 0.00016; TOPMed 0.00007.

Submissions (3):

Labcorp Genetics (formerly Invitae), Labcorp
Classification: Uncertain significance for Anauxetic dysplasia. Last evaluated: 2024-11-11. Review status: criteria provided, single submitter. Criteria: Invitae Variant Classification Sherloc (09022015). Collection method: clinical testing. Allele origin: germline.
Comment: This variant occurs in the RMRP gene, which encodes an RNA molecule that does not result in a protein product. This variant is present in population databases (no rsID available, gnomAD 0.005%). This variant has not been reported in the literature in individuals affected with RMRP-related conditions. ClinVar contains an entry for this variant (Variation ID: 969703). Experimental studies and prediction algorithms are not available or were not evaluated, and the functional significance of this variant is currently unknown. In summary, the available evidence is currently insufficient to determine the role of this variant in disease. Therefore, it has been classified as a Variant of Uncertain Significance.

Fulgent Genetics
Classification: Uncertain significance for Metaphyseal chondrodysplasia, McKusick type; Metaphyseal dysplasia without hypotrichosis; Anauxetic dysplasia 1. Last evaluated: 2022-05-10. Review status: criteria provided, single submitter. Criteria: ACMG Guidelines, 2015. Collection method: clinical testing. Allele origin: unknown.

Natera, Inc.
Classification: Uncertain significance for Cartilage-hair hypoplasia. Last evaluated: 2020-07-27. Review status: no assertion criteria provided. Collection method: clinical testing. Allele origin: germline. Not counted in ClinVar's aggregate classification.

NC_000009.12:g.35658042T>G

Gene: RMRP (RNA component of mitochondrial RNA processing endoribonuclease; minus strand). Cytogenetic location: 9p13.3.
Variant type: single nucleotide variant.
Genome position: GRCh38 VCF-style: chr9-35658042-T-G. GRCh37 (hg19) VCF-style: chr9-35658039-T-G.
Identifiers: ClinVar variation 969703 (VCV000969703.6), dbSNP rs529852688, ClinGen allele CA192745783.